The following is an entry in ClinVar:

NM_001267550.2(TTN):c.98683+14C>T

Genes: TTN (titin; minus strand), TTN-AS1 (TTN antisense RNA 1; plus strand). Cytogenetic location: 2q31.2.
Variant type: single nucleotide variant.
Coding change: c.98683+14C>T on transcript NM_001267550.2 (MANE Select); 14 bases into the intron after coding-DNA position 98683, C replaced by T.
Molecular consequence: intron variant. On other transcripts: non-coding transcript variant (1).
Genome position (GRCh38, 1-based): chr2:178,539,368, G>A on the plus strand (C>T on the coding strand, the complement: TTN is on the minus strand). VCF-style: chr2-178539368-G-A. GRCh37 (hg19) VCF-style: chr2-179404095-G-A.
Other names: c.71488+14C>T (NM_003319.4); c.72064+14C>T (NM_133437.4); c.71863+14C>T (NM_133432.3); c.90979+14C>T (NM_133378.4); c.93760+14C>T (NM_001256850.1).
Identifiers: ClinVar variation 681871 (VCV000681871.4), dbSNP rs779592120, ClinGen allele CA1986337.

ClinVar aggregate classification (germline): Likely benign. Review status: criteria provided, multiple submitters, no conflicts (2 of 4 stars). 2 submissions from 2 submitters: Likely benign (2). Last evaluated 2024-03-12.

Conditions:
Dilated cardiomyopathy 1G (CMD1G). Identifiers: Orphanet 154, MedGen C1858763, MONDO:0011400, OMIM 604145.
Autosomal recessive limb-girdle muscular dystrophy type 2J (LGMDR10). Also called: MUSCULAR DYSTROPHY, LIMB-GIRDLE, AUTOSOMAL RECESSIVE 10; Limb-girdle muscular dystrophy, type 2J. Identifiers: Orphanet 140922, MedGen C1837342, MONDO:0012127, OMIM 608807.

Allele frequency attached by ClinVar (database versions not stated): gnomAD exomes below 0.00001 and 0.00001; ExAC 0.00001; gnomAD 0.00001; TOPMed 0.00002.
gnomAD v4.1: 9 of 1,605,126 alleles (0.00056%); highest among the groups gnomAD compares: Non-Finnish European, 0.00077%; no homozygotes.

Submissions (2):

Labcorp Genetics (formerly Invitae), Labcorp
Classification: Likely benign for Dilated cardiomyopathy 1G; Autosomal recessive limb-girdle muscular dystrophy type 2J. Last evaluated: 2024-03-12. Review status: criteria provided, single submitter. Criteria: Invitae Variant Classification Sherloc (09022015). Collection method: clinical testing. Allele origin: germline.

GeneDx
Classification: Likely benign. Last evaluated: 2018-04-02. Review status: criteria provided, single submitter. Criteria: GeneDx Variant Classification (06012015). Collection method: clinical testing. Allele origin: germline. Affected: yes.
Comment: This variant is considered likely benign or benign based on one or more of the following criteria: it is a conservative change, it occurs at a poorly conserved position in the protein, it is predicted to be benign by multiple in silico algorithms, and/or has population frequency not consistent with disease.